The following is an entry in ClinVar:

ClinVar aggregate classification (germline): Pathogenic (1 of 4 stars; one submission).

Conditions:
Pheochromocytoma/paraganglioma syndrome 5. Also called: Paragangliomas 5; SDHA-Related Hereditary Paraganglioma-Pheochromocytoma Syndrome. Identifiers: Orphanet 29072, MedGen C3279992, MONDO:0013602, OMIM 614165.

Submission:

Myriad Genetics, Inc.
Classification: Pathogenic for Pheochromocytoma/paraganglioma syndrome 5. Last evaluated: 2026-05-13. Review status: criteria provided, single submitter. Criteria: Myriad Autosomal Dominant, Autosomal Recessive and X-Linked Classification Criteria (2023). Collection method: clinical testing. Allele origin: unknown.
Comment: This variant is considered pathogenic. This variant creates a frameshift predicted to result in premature protein truncation.

NM_004168.4(SDHA):c.71_72del (p.Thr24fs)

Gene: SDHA (succinate dehydrogenase complex flavoprotein subunit A; plus strand). Cytogenetic location: 5p15.33.
Variant type: Deletion.
Coding change: c.71_72del on transcript NM_004168.4 (MANE Select); coding-DNA positions 71 to 72, 2 bases deleted (CA; older notation c.71_72delCA).
Protein change: p.Thr24fs; shifts the reading frame from threonine 24.
Molecular consequence: frameshift variant.
Genome position (GRCh38, 1-based): chr5:223,489-223,490, CA deleted; deleting any 2 consecutive bases within chr5:223,488-223,490 gives the same sequence; the c. name uses the placement nearest the transcript's 3' end. VCF-style (leftmost placement, unchanged base first): chr5-223487-AAC-A. GRCh37 (hg19) VCF-style: chr5-223602-AAC-A.
Other names: c.71_72del, p.Thr24fs (NM_001294332.2, NM_001330758.2); short protein forms T24fs.
Identifiers: ClinVar variation 4876043 (VCV004876043.1).
Genomic context (GRCh38, chr5:223,487, plus strand): 5'-GCATTTGTTCCTTCAGGACACTAACCCTCTGGATCTGTGTCTTCTGTGTCTCCAGTGGCC[AAC>A]AGTGTTGCAAACAGGAACCCGAGGTTTTCACTTCACTGTTGATGGGAACAAGAGGGCATC-3'